The following is an entry in ClinVar:

NM_017654.4(SAMD9):c.3713T>G (p.Ile1238Ser)

Gene: SAMD9 (sterile alpha motif domain containing 9; minus strand). Cytogenetic location: 7q21.2.
Variant type: single nucleotide variant.
Coding change: c.3713T>G on transcript NM_017654.4 (MANE Select); coding-DNA position 3713, T replaced by G.
Protein change: p.Ile1238Ser; replaces isoleucine 1238 with serine.
Molecular consequence: missense variant.
Genome position (GRCh38, 1-based): chr7:93,102,385, A>C on the plus strand (T>G on the coding strand, the complement: SAMD9 is on the minus strand). VCF-style: chr7-93102385-A-C. GRCh37 (hg19) VCF-style: chr7-92731698-A-C.
Other names: c.3713T>G, p.Ile1238Ser (NM_001193307.2); short protein forms I1238S.
Identifiers: ClinVar variation 3437042 (VCV003437042.2).

ClinVar aggregate classification (germline): Uncertain significance. Review status: criteria provided, multiple submitters, no conflicts (2 of 4 stars). 2 submissions from 2 submitters: Uncertain significance (2). Last evaluated 2026-03-13.

Conditions:
Inborn genetic diseases. Identifiers: MedGen C0950123, MeSH D030342.

gnomAD v4.1: 3 of 1,609,134 alleles (0.00019%); highest among the groups gnomAD compares: Non-Finnish European, 0.00026%; no homozygotes.

Submissions (2):

Women's Health and Genetics/Laboratory Corporation of America, LabCorp
Classification: Uncertain significance. Last evaluated: 2026-03-13. Review status: criteria provided, single submitter. Criteria: LabCorp Variant Classification Summary - May 2015. Collection method: clinical testing. Allele origin: germline.
Comment: Variant summary: SAMD9 c.3713T>G (p.Ile1238Ser) results in a non-conservative amino acid change in the encoded protein sequence. Algorithms developed to predict the effect of missense changes on protein structure and function are either unavailable or do not agree on the potential impact of this missense change. The variant allele was found at a frequency of 4e-06 in 250004 control chromosomes. The available data on variant occurrences in the general population are insufficient to allow any conclusion about variant significance. To our knowledge, no occurrence of c.3713T>G in individuals affected with SAMD9-related conditions and no experimental evidence demonstrating its impact on protein function have been reported. ClinVar contains an entry for this variant (Variation ID: 3437042). Based on the evidence outlined above, the variant was classified as uncertain significance.

Ambry Genetics
Classification: Uncertain significance for Inborn genetic diseases. Last evaluated: 2024-11-25. Review status: criteria provided, single submitter. Criteria: Ambry Variant Classification Scheme 2023. Collection method: clinical testing. Allele origin: germline.
Comment: The p.I1238S variant (also known as c.3713T>G), located in coding exon 1 of the SAMD9 gene, results from a T to G substitution at nucleotide position 3713. The isoleucine at codon 1238 is replaced by serine, an amino acid with dissimilar properties. This amino acid position is conserved. In addition, this alteration is predicted to be tolerated by in silico analysis. Based on the available evidence, the clinical significance of this variant remains unclear.